The following is an entry in ClinVar:

ClinVar aggregate classification (germline): Uncertain significance. Review status: criteria provided, multiple submitters, no conflicts (2 of 4 stars). 2 submissions from 2 submitters: Uncertain significance (2). Last evaluated 2025-08-12.

Conditions:
RASopathy. Also called: rasopathies; Noonan spectrum disorder. Identifiers: Orphanet 536391, MedGen C5555857, MONDO:0021060.

Submissions (2):

GeneDx
Classification: Uncertain significance. Last evaluated: 2025-08-12. Review status: criteria provided, single submitter. Criteria: GeneDx Variant Classification Process June 2021. Collection method: clinical testing. Allele origin: germline.
Comment: Not observed at significant frequency in large population cohorts (gnomAD); Missense variants in this gene are a common cause of disease and they are underrepresented in the general population; In silico analysis supports that this missense variant has a deleterious effect on protein structure/function; Has not been previously published as pathogenic or benign to our knowledge; This variant is associated with the following publications: (PMID: 29493581)

Labcorp Genetics (formerly Invitae), Labcorp
Classification: Uncertain significance for RASopathy. Last evaluated: 2024-12-20. Review status: criteria provided, single submitter. Criteria: Invitae Variant Classification Sherloc (09022015). Collection method: clinical testing. Allele origin: germline.
Comment: This sequence change replaces asparagine, which is neutral and polar, with aspartic acid, which is acidic and polar, at codon 923 of the SOS1 protein (p.Asn923Asp). This variant is not present in population databases (gnomAD no frequency). This variant has not been reported in the literature in individuals affected with SOS1-related conditions. Invitae Evidence Modeling of protein sequence and biophysical properties (such as structural, functional, and spatial information, amino acid conservation, physicochemical variation, residue mobility, and thermodynamic stability) indicates that this missense variant is not expected to disrupt SOS1 protein function with a negative predictive value of 95%. In summary, the available evidence is currently insufficient to determine the role of this variant in disease. Therefore, it has been classified as a Variant of Uncertain Significance.

NM_005633.4(SOS1):c.2767A>G (p.Asn923Asp)

Gene: SOS1 (SOS Ras/Rac guanine nucleotide exchange factor 1; minus strand). Cytogenetic location: 2p22.1.
Variant type: single nucleotide variant.
Coding change: c.2767A>G on transcript NM_005633.4 (MANE Select); coding-DNA position 2767, A replaced by G.
Protein change: p.Asn923Asp; replaces asparagine 923 with aspartic acid.
Molecular consequence: missense variant.
Genome position (GRCh38, 1-based): chr2:39,006,436, T>C on the plus strand (A>G on the coding strand, the complement: SOS1 is on the minus strand). VCF-style: chr2-39006436-T-C. GRCh37 (hg19) VCF-style: chr2-39233577-T-C.
Other names: c.2746A>G, p.Asn916Asp (NM_001382394.1); c.2767A>G, p.Asn923Asp (NM_001382395.1); short protein forms N916D, N923D.
Identifiers: ClinVar variation 3689691 (VCV003689691.4).